The following is an entry in ClinVar:

ClinVar aggregate classification (germline): Uncertain significance. Review status: criteria provided, multiple submitters, no conflicts (2 of 4 stars). 3 submissions from 3 submitters: Uncertain significance (2). 1 of the submissions does not count toward it. Last evaluated 2025-08-24.

Conditions:
Glycine encephalopathy. Also called: Nonketotic hyperglycinemia; Non-ketotic hyperglycinemia. Identifiers: Orphanet 407, MedGen C0751748, MONDO:0011612, HP:0008288.
Inborn genetic diseases. Identifiers: MedGen C0950123, MeSH D030342.

Allele frequency attached by ClinVar (database versions not stated): gnomAD exomes 0.00001 and 0.00002; ExAC 0.00002; gnomAD 0.00003.
gnomAD v4.1: 14 of 1,614,042 alleles (0.00087%); highest among the groups gnomAD compares: Admixed American, 0.005%; 1 homozygote.

Submissions (3):

Ambry Genetics
Classification: Uncertain significance for Inborn genetic diseases. Last evaluated: 2025-08-24. Review status: criteria provided, single submitter. Criteria: Ambry Variant Classification Scheme 2023. Collection method: clinical testing. Allele origin: germline.

Labcorp Genetics (formerly Invitae), Labcorp
Classification: Uncertain significance for Glycine encephalopathy. Last evaluated: 2022-08-09. Review status: criteria provided, single submitter. Criteria: Invitae Variant Classification Sherloc (09022015). Collection method: clinical testing. Allele origin: germline.
Comment: This sequence change replaces threonine, which is neutral and polar, with asparagine, which is neutral and polar, at codon 401 of the AMT protein (p.Thr401Asn). This variant is present in population databases (rs752952950, gnomAD 0.003%). This variant has not been reported in the literature in individuals affected with AMT-related conditions. ClinVar contains an entry for this variant (Variation ID: 1052844). Advanced modeling of protein sequence and biophysical properties (such as structural, functional, and spatial information, amino acid conservation, physicochemical variation, residue mobility, and thermodynamic stability) performed at Invitae indicates that this missense variant is not expected to disrupt AMT protein function. In summary, the available evidence is currently insufficient to determine the role of this variant in disease. Therefore, it has been classified as a Variant of Uncertain Significance.

Natera, Inc.
Classification: Uncertain significance for Non-ketotic hyperglycinemia. Last evaluated: 2021-06-22. Review status: no assertion criteria provided. Collection method: clinical testing. Allele origin: germline. Not counted in ClinVar's aggregate classification.

NM_000481.4(AMT):c.1202C>A (p.Thr401Asn)

Gene: AMT (aminomethyltransferase; minus strand). Cytogenetic location: 3p21.31.
Variant type: single nucleotide variant.
Coding change: c.1202C>A on transcript NM_000481.4 (MANE Select); coding-DNA position 1202, C replaced by A.
Protein change: p.Thr401Asn; replaces threonine 401 with asparagine.
Molecular consequence: missense variant. On other transcripts: non-coding transcript variant (1), intron variant (1).
Genome position (GRCh38, 1-based): chr3:49,417,550, G>T on the plus strand (C>A on the coding strand, the complement: AMT is on the minus strand). VCF-style: chr3-49417550-G-T. GRCh37 (hg19) VCF-style: chr3-49454983-G-T.
Other names: c.1202C>A (NM_000481.3); c.1070C>A, p.Thr357Asn (NM_001164710.2); c.1034C>A, p.Thr345Asn (NM_001164711.2); c.1137+65C>A (NM_001164712.2); short protein forms T345N, T357N, T401N.
Identifiers: ClinVar variation 1052844 (VCV001052844.6), dbSNP rs752952950, ClinGen allele CA2398126.
Genomic context (GRCh38, chr3:49,417,550, plus strand): 5'-CCTTGTAGGGGCAAAACTCCTGGAAGGGACAGCCCCACCCTGAGCCAGCTTCACTTGAGG[G>T]TATAGTAGTTTGTGGGCACAAAGGGCATCTTGCTGACTACAGCCATCTGCTGCTTCCGCC-3'
Protein context (NP_000472.2, residues 391-403): KMPFVPTNYY[Thr401Asn]LK